The following is an entry in ClinVar:

ClinVar aggregate classification (germline): Uncertain significance. Review status: criteria provided, multiple submitters, no conflicts (2 of 4 stars). 3 submissions from 3 submitters: Uncertain significance (3). Last evaluated 2025-03-27.

Conditions:
Inborn genetic diseases. Identifiers: MedGen C0950123, MeSH D030342.
Exostoses, multiple, type 2 (EXT2). Also called: Hereditary Multiple Osteochondromatosis, Type II; EXOSTOSES, MULTIPLE, TYPE II. Identifiers: Orphanet 321, MedGen C1851413, MONDO:0007586, OMIM 133701.
Seizures-scoliosis-macrocephaly syndrome. Also called: SEIZURES, SCOLIOSIS, AND MACROCEPHALY/MICROCEPHALY SYNDROME; Seizures, scoliosis, and macrocephaly syndrome. Identifiers: Orphanet 466926, MedGen C4225248, MONDO:0014731, OMIM 616682.

Allele frequency attached by ClinVar (database versions not stated): ExAC 0.00005; TOPMed 0.00005; gnomAD 0.00007 and 0.00008; ESP Exome Variant Server 0.00015.
gnomAD v4.1: 40 of 1,613,948 alleles (0.0025%); highest among the groups gnomAD compares: East Asian, 0.033%; no homozygotes.

Submissions (3):

Ambry Genetics
Classification: Uncertain significance for Inborn genetic diseases. Last evaluated: 2025-03-27. Review status: criteria provided, single submitter. Criteria: Ambry Variant Classification Scheme 2023. Collection method: clinical testing. Allele origin: germline.

Labcorp Genetics (formerly Invitae), Labcorp
Classification: Uncertain significance for Exostoses, multiple, type 2. Last evaluated: 2025-03-18. Review status: criteria provided, single submitter. Criteria: Invitae Variant Classification Sherloc (09022015). Collection method: clinical testing. Allele origin: germline.
Comment: This sequence change replaces alanine, which is neutral and non-polar, with threonine, which is neutral and polar, at codon 458 of the EXT2 protein (p.Ala458Thr). This variant is present in population databases (rs146086025, gnomAD 0.06%). This variant has not been reported in the literature in individuals affected with EXT2-related conditions. ClinVar contains an entry for this variant (Variation ID: 934810). Invitae Evidence Modeling of protein sequence and biophysical properties (such as structural, functional, and spatial information, amino acid conservation, physicochemical variation, residue mobility, and thermodynamic stability) has been performed for this missense variant. However, the output from this modeling did not meet the statistical confidence thresholds required to predict the impact of this variant on EXT2 protein function. In summary, the available evidence is currently insufficient to determine the role of this variant in disease. Therefore, it has been classified as a Variant of Uncertain Significance.

Fulgent Genetics
Classification: Uncertain significance for Exostoses, multiple, type 2; Seizures-scoliosis-macrocephaly syndrome. Last evaluated: 2024-05-22. Review status: criteria provided, single submitter. Criteria: ACMG Guidelines, 2015. Collection method: clinical testing. Allele origin: germline.

NM_207122.2(EXT2):c.1372G>A (p.Ala458Thr)

Genes: EXT2 (exostosin glycosyltransferase 2; plus strand), LOC126861201 (MED14-independent group 3 enhancer GRCh37_chr11:44218806-44220005; plus strand). Cytogenetic location: 11p11.2.
Variant type: single nucleotide variant.
Coding change: c.1372G>A on transcript NM_207122.2 (MANE Select); coding-DNA position 1372, G replaced by A.
Protein change: p.Ala458Thr; replaces alanine 458 with threonine.
Molecular consequence: missense variant.
Genome position (GRCh38, 1-based): chr11:44,197,895, G>A. VCF-style: chr11-44197895-G-A. GRCh37 (hg19) VCF-style: chr11-44219445-G-A.
Other names: c.1471G>A, p.Ala491Thr (NM_000401.3); c.1402G>A, p.Ala468Thr (NM_001178083.3); c.1372G>A, p.Ala458Thr (NM_001389628.1, NM_001389630.1); short protein forms A491T, A458T, A468T.
Identifiers: ClinVar variation 934810 (VCV000934810.12), dbSNP rs146086025, ClinGen allele CA5955247.